The following is an entry in ClinVar:

NM_152574.3(TTC39B):c.184A>C (p.Thr62Pro)

Gene: TTC39B (tetratricopeptide repeat domain 39B; minus strand). Cytogenetic location: 9p22.3.
Variant type: single nucleotide variant.
Coding change: c.184A>C on transcript NM_152574.3 (MANE Select); coding-DNA position 184, A replaced by C.
Protein change: p.Thr62Pro; replaces threonine 62 with proline.
Molecular consequence: missense variant. On other transcripts: 5 prime UTR variant (1), intron variant (1).
Genome position (GRCh38, 1-based): chr9:15,214,239, T>G on the plus strand (A>C on the coding strand, the complement: TTC39B is on the minus strand). VCF-style: chr9-15214239-T-G. GRCh37 (hg19) VCF-style: chr9-15214237-T-G.
Other names: NC_000009.11:g.15214237T>G; c.184A>C, p.Thr62Pro (NM_001168339.2, NM_001168340.2); c.-114A>C (NM_001168342.2); c.78-2842A>C (NM_001168341.2); short protein forms T62P.
Identifiers: ClinVar variation 2659088 (VCV002659088.25), dbSNP rs10961917, ClinGen allele CA4992466.

ClinVar aggregate classification (germline): Likely benign (1 of 4 stars; one submission).

Allele frequency attached by ClinVar (database versions not stated): 1000 Genomes Project 30x 0.00359; 1000 Genomes Project 0.00419; TOPMed 0.00579; ESP Exome Variant Server 0.00661; gnomAD 0.00733.
gnomAD v4.1: 15,540 of 1,613,410 alleles (0.96%); highest among the groups gnomAD compares: Non-Finnish European, 1.1%; 97 homozygotes.

Submissions (28):

CeGaT Center for Human Genetics Tuebingen
Classification: Likely benign. Last evaluated: 2023-03-01. Review status: criteria provided, single submitter. Criteria: CeGaT Center For Human Genetics Tuebingen Variant Classification Criteria Version 2. Collection method: clinical testing. Allele origin: germline. Affected: yes. Observed: 1 variant allele.
Comment: TTC39B: BP4, BS2

Dr. Peter K. Rogan Lab, Western University
No classification provided (evidence only). Condition: Clear cell carcinoma of kidney. Review status: no classification provided. Collection method: in vitro. Allele origin: not applicable. Functional consequence: retained intron. Not counted in ClinVar's aggregate classification.

Dr. Peter K. Rogan Lab, Western University
No classification provided (evidence only). Condition: Clear cell carcinoma of kidney. Review status: no classification provided. Collection method: in vitro. Allele origin: not applicable. Functional consequence: skipped exon. Not counted in ClinVar's aggregate classification.

Dr. Peter K. Rogan Lab, Western University
No classification provided (evidence only). Condition: Lung cancer. Review status: no classification provided. Collection method: in vitro. Allele origin: not applicable. Functional consequence: retained intron. Not counted in ClinVar's aggregate classification.

Dr. Peter K. Rogan Lab, Western University
No classification provided (evidence only). Condition: Lung cancer. Review status: no classification provided. Collection method: in vitro. Allele origin: not applicable. Functional consequence: retained intron. Not counted in ClinVar's aggregate classification.

Dr. Peter K. Rogan Lab, Western University
No classification provided (evidence only). Condition: Melanoma. Review status: no classification provided. Collection method: in vitro. Allele origin: not applicable. Functional consequence: skipped exon. Not counted in ClinVar's aggregate classification.

Dr. Peter K. Rogan Lab, Western University
No classification provided (evidence only). Condition: Melanoma. Review status: no classification provided. Collection method: in vitro. Allele origin: not applicable. Functional consequence: retained intron. Not counted in ClinVar's aggregate classification.

Dr. Peter K. Rogan Lab, Western University
No classification provided (evidence only). Condition: Familial cancer of breast. Review status: no classification provided. Collection method: in vitro. Allele origin: not applicable. Functional consequence: retained intron. Not counted in ClinVar's aggregate classification.

Dr. Peter K. Rogan Lab, Western University
No classification provided (evidence only). Condition: Familial cancer of breast. Review status: no classification provided. Collection method: in vitro. Allele origin: not applicable. Functional consequence: skipped exon, retained intron. Not counted in ClinVar's aggregate classification.

Dr. Peter K. Rogan Lab, Western University
No classification provided (evidence only). Condition: Colon adenocarcinoma. Review status: no classification provided. Collection method: in vitro. Allele origin: not applicable. Functional consequence: skipped exon. Not counted in ClinVar's aggregate classification.

Dr. Peter K. Rogan Lab, Western University
No classification provided (evidence only). Condition: Colon adenocarcinoma. Review status: no classification provided. Collection method: in vitro. Allele origin: not applicable. Functional consequence: retained intron. Not counted in ClinVar's aggregate classification.

Dr. Peter K. Rogan Lab, Western University
No classification provided (evidence only). Condition: Colorectal cancer. Review status: no classification provided. Collection method: in vitro. Allele origin: not applicable. Functional consequence: skipped exon. Not counted in ClinVar's aggregate classification.

Dr. Peter K. Rogan Lab, Western University
No classification provided (evidence only). Condition: Thyroid cancer, nonmedullary, 1. Review status: no classification provided. Collection method: in vitro. Allele origin: not applicable. Functional consequence: skipped exon, retained intron. Not counted in ClinVar's aggregate classification.

Dr. Peter K. Rogan Lab, Western University
No classification provided (evidence only). Condition: Thyroid cancer, nonmedullary, 1. Review status: no classification provided. Collection method: in vitro. Allele origin: not applicable. Functional consequence: retained intron. Not counted in ClinVar's aggregate classification.

Dr. Peter K. Rogan Lab, Western University
No classification provided (evidence only). Condition: Thyroid cancer, nonmedullary, 1. Review status: no classification provided. Collection method: in vitro. Allele origin: not applicable. Functional consequence: retained intron. Not counted in ClinVar's aggregate classification.

Dr. Peter K. Rogan Lab, Western University
No classification provided (evidence only). Condition: Thyroid cancer, nonmedullary, 1. Review status: no classification provided. Collection method: in vitro. Allele origin: not applicable. Functional consequence: retained intron. Not counted in ClinVar's aggregate classification.

Dr. Peter K. Rogan Lab, Western University
No classification provided (evidence only). Condition: Cervical cancer. Review status: no classification provided. Collection method: in vitro. Allele origin: not applicable. Functional consequence: retained intron. Not counted in ClinVar's aggregate classification.

Dr. Peter K. Rogan Lab, Western University
No classification provided (evidence only). Condition: Sarcoma. Review status: no classification provided. Collection method: in vitro. Allele origin: not applicable. Functional consequence: retained intron. Not counted in ClinVar's aggregate classification.

Dr. Peter K. Rogan Lab, Western University
No classification provided (evidence only). Condition: Sarcoma. Review status: no classification provided. Collection method: in vitro. Allele origin: not applicable. Functional consequence: retained intron. Not counted in ClinVar's aggregate classification.

Dr. Peter K. Rogan Lab, Western University
No classification provided (evidence only). Condition: Hepatocellular carcinoma. Review status: no classification provided. Collection method: in vitro. Allele origin: not applicable. Functional consequence: retained intron. Not counted in ClinVar's aggregate classification.

Dr. Peter K. Rogan Lab, Western University
No classification provided (evidence only). Condition: Nonpapillary renal cell carcinoma. Review status: no classification provided. Collection method: in vitro. Allele origin: not applicable. Functional consequence: retained intron. Not counted in ClinVar's aggregate classification.

Dr. Peter K. Rogan Lab, Western University
No classification provided (evidence only). Condition: Nonpapillary renal cell carcinoma. Review status: no classification provided. Collection method: in vitro. Allele origin: not applicable. Functional consequence: retained intron. Not counted in ClinVar's aggregate classification.

Dr. Peter K. Rogan Lab, Western University
No classification provided (evidence only). Condition: Thymoma. Review status: no classification provided. Collection method: in vitro. Allele origin: not applicable. Functional consequence: retained intron. Not counted in ClinVar's aggregate classification.

Dr. Peter K. Rogan Lab, Western University
No classification provided (evidence only). Condition: Ovarian serous cystadenocarcinoma. Review status: no classification provided. Collection method: in vitro. Allele origin: not applicable. Functional consequence: retained intron. Not counted in ClinVar's aggregate classification.

Dr. Peter K. Rogan Lab, Western University
No classification provided (evidence only). Condition: Ovarian serous cystadenocarcinoma. Review status: no classification provided. Collection method: in vitro. Allele origin: not applicable. Functional consequence: retained intron. Not counted in ClinVar's aggregate classification.

Dr. Peter K. Rogan Lab, Western University
No classification provided (evidence only). Condition: Gastric cancer. Review status: no classification provided. Collection method: in vitro. Allele origin: not applicable. Functional consequence: retained intron. Not counted in ClinVar's aggregate classification.

Dr. Peter K. Rogan Lab, Western University
No classification provided (evidence only). Condition: Gastric cancer. Review status: no classification provided. Collection method: in vitro. Allele origin: not applicable. Functional consequence: retained intron. Not counted in ClinVar's aggregate classification.

Dr. Peter K. Rogan Lab, Western University
No classification provided (evidence only). Condition: Malignant tumor of esophagus. Review status: no classification provided. Collection method: in vitro. Allele origin: not applicable. Functional consequence: retained intron. Not counted in ClinVar's aggregate classification.